The following is an entry in ClinVar:

NM_000059.4(BRCA2):c.2655_2657delinsATG (p.Asp885_Asn886delinsGluCys)

Gene: BRCA2 (BRCA2 DNA repair associated; plus strand). Cytogenetic location: 13q13.1.
Variant type: Indel.
Coding change: c.2655_2657delinsATG on transcript NM_000059.4 (MANE Select); coding-DNA positions 2655 to 2657, CAA replaced by ATG.
Protein change: p.Asp885_Asn886delinsGluCys.
Molecular consequence: missense variant. On other transcripts: non-coding transcript variant (1), intron variant (2).
Genome position (GRCh38, 1-based): chr13:32,337,010-32,337,012, CAA replaced by ATG. VCF-style: chr13-32337010-CAA-ATG. GRCh37 (hg19) VCF-style: chr13-32911147-CAA-ATG.
Other names: c.2655_2657delinsATG, p.Asp885_Asn886delinsGluCys (NM_001406719.1, NM_001406720.1, NM_001432077.1); c.1909+3623_1909+3625delinsATG (NM_001406721.1); c.424+5980_424+5982delinsATG (NM_001406722.1).
Identifiers: ClinVar variation 3992785 (VCV003992785.1).

ClinVar aggregate classification (germline): Uncertain significance (1 of 4 stars; one submission).

Conditions:
Hereditary cancer-predisposing syndrome. Also called: Tumor predisposition; Hereditary neoplastic syndrome; Neoplastic Syndromes, Hereditary; Hereditary Cancer Syndrome. Identifiers: Orphanet 140162, MedGen C0027672, MeSH D009386, MONDO:0015356.

Submission:

Ambry Genetics
Classification: Uncertain significance for Hereditary cancer-predisposing syndrome. Last evaluated: 2025-04-17. Review status: criteria provided, single submitter. Criteria: Ambry Variant Classification Scheme 2023. Collection method: clinical testing. Allele origin: germline.
Comment: The c.2655_2657delCAAinsATG variant (also known as p.D885_N886delinsEC), located in coding exon 10 of the BRCA2 gene, results from an in-frame deletion of CAA and insertion of ATG at nucleotide positions 2655 to 2657. This results in the deletion of 2 amino acids (DN) and insertion of 2 new amino acids (EC) ats codon 885 and 886. These amino acid positions are not well conserved in available vertebrate species. In addition, this alteration is predicted to be deleterious by in silico analysis (Choi Y et al. PLoS ONE. 2012; 7(10):e46688). Based on the available evidence, the clinical significance of this variant remains unclear.